The following is an entry in ClinVar:

NM_020778.5(ALPK3):c.4547A>T (p.Tyr1516Phe)

Gene: ALPK3 (alpha kinase 3; plus strand). Cytogenetic location: 15q25.3.
Variant type: single nucleotide variant.
Coding change: c.4547A>T on transcript NM_020778.5 (MANE Select); coding-DNA position 4547, A replaced by T.
Protein change: p.Tyr1516Phe; replaces tyrosine 1516 with phenylalanine.
Molecular consequence: missense variant.
Genome position (GRCh38, 1-based): chr15:84,864,489, A>T. VCF-style: chr15-84864489-A-T. GRCh37 (hg19) VCF-style: chr15-85407720-A-T.
Other names: short protein forms Y1516F.
Identifiers: ClinVar variation 4693607 (VCV004693607.1).
Genomic context (GRCh38, chr15:84,864,489, plus strand): 5'-AAACTATGTTTAGGATCATCCCACTGTATCTGATCTACCGGCCTGCAAACAATATCCCAT[A>T]TGCTACCCTGGAGGAAGACCTGGGCAAGCCCCTGGAGTCTTACTGTTCTCGGGAATGGGG-3'
Protein context (NP_065829.4, residues 1506-1526): LIYRPANNIP[Tyr1516Phe]ATLEEDLGKP

ClinVar aggregate classification (germline): Uncertain significance (1 of 4 stars; one submission).

Submission:

Labcorp Genetics (formerly Invitae), Labcorp
Classification: Uncertain significance. Last evaluated: 2025-11-23. Review status: criteria provided, single submitter. Criteria: Invitae Variant Classification Sherloc (09022015). Collection method: clinical testing. Allele origin: germline.
Comment: This sequence change replaces tyrosine, which is neutral and polar, with phenylalanine, which is neutral and non-polar, at codon 1718 of the ALPK3 protein (p.Tyr1718Phe). This variant is not present in population databases (gnomAD no frequency). This variant has not been reported in the literature in individuals affected with ALPK3-related conditions. Invitae Evidence Modeling of protein sequence and biophysical properties (such as structural, functional, and spatial information, amino acid conservation, physicochemical variation, residue mobility, and thermodynamic stability) indicates that this missense variant is expected to disrupt ALPK3 protein function with a positive predictive value of 80%. In summary, the available evidence is currently insufficient to determine the role of this variant in disease. Therefore, it has been classified as a Variant of Uncertain Significance.